The following is an entry in ClinVar:

NM_001041.4(SI):c.1486G>C (p.Glu496Gln)

Gene: SI (sucrase-isomaltase; minus strand). Cytogenetic location: 3q26.1.
Variant type: single nucleotide variant.
Coding change: c.1486G>C on transcript NM_001041.4 (MANE Select); coding-DNA position 1486, G replaced by C.
Protein change: p.Glu496Gln; replaces glutamic acid 496 with glutamine.
Molecular consequence: missense variant.
Genome position (GRCh38, 1-based): chr3:165,055,220, C>G on the plus strand (G>C on the coding strand, the complement: SI is on the minus strand). VCF-style: chr3-165055220-C-G. GRCh37 (hg19) VCF-style: chr3-164773008-C-G.
Other names: short protein forms E496Q.
Identifiers: ClinVar variation 1427989 (VCV001427989.6), dbSNP rs2108242185, ClinGen allele CA355027761.

ClinVar aggregate classification (germline): Uncertain significance (1 of 4 stars; one submission).

Submission:

Labcorp Genetics (formerly Invitae), Labcorp
Classification: Uncertain significance. Last evaluated: 2021-02-01. Review status: criteria provided, single submitter. Criteria: Invitae Variant Classification Sherloc (09022015). Collection method: clinical testing. Allele origin: germline.
Comment: This sequence change replaces glutamic acid with glutamine at codon 496 of the SI protein (p.Glu496Gln). The glutamic acid residue is weakly conserved and there is a small physicochemical difference between glutamic acid and glutamine. In summary, the available evidence is currently insufficient to determine the role of this variant in disease. Therefore, it has been classified as a Variant of Uncertain Significance. Advanced modeling of protein sequence and biophysical properties (such as structural, functional, and spatial information, amino acid conservation, physicochemical variation, residue mobility, and thermodynamic stability) performed at Invitae indicates that this missense variant is not expected to disrupt SI protein function. This variant has not been reported in the literature in individuals with SI-related conditions. This variant is not present in population databases (ExAC no frequency).